The following is an entry in ClinVar:

NM_152703.5(SAMD9L):c.4148C>T (p.Ser1383Phe)

Gene: SAMD9L (sterile alpha motif domain containing 9 like; minus strand). Cytogenetic location: 7q21.2.
Variant type: single nucleotide variant.
Coding change: c.4148C>T on transcript NM_152703.5 (MANE Select); coding-DNA position 4148, C replaced by T.
Protein change: p.Ser1383Phe; replaces serine 1383 with phenylalanine.
Molecular consequence: missense variant.
Genome position (GRCh38, 1-based): chr7:93,131,824, G>A on the plus strand (C>T on the coding strand, the complement: SAMD9L is on the minus strand). VCF-style: chr7-93131824-G-A. GRCh37 (hg19) VCF-style: chr7-92761137-G-A.
Other names: c.4148C>T (NM_152703.2); c.4148C>T, p.Ser1383Phe (NM_001303496.3, NM_001303497.3, NM_001303498.3 and 5 more transcripts); short protein forms S1383F.
Identifiers: ClinVar variation 3362845 (VCV003362845.4).
Genomic context (GRCh38, chr7:93,131,824, plus strand): 5'-AGTGGTTGAATTAACTTGGAGTTGGGCTTTAGACAACTCAGAATAATGTTGGCCAAAATG[G>A]AATTTTGTTTCTCATTTGTCATGGGCTTTTTTGAGTTTTGCTGCAGTAGGAAGGCATATT-3'
Protein context (NP_689916.2, residues 1373-1393): KKPMTNEKQN[Ser1383Phe]ILANIILSCL

ClinVar aggregate classification (germline): Conflicting classifications of pathogenicity. Review status: criteria provided, conflicting classifications (1 of 4 stars). 2 submissions from 2 submitters: Uncertain significance (1); Likely benign (1). Last evaluated 2024-10-15.

Conditions:
Inborn genetic diseases. Identifiers: MedGen C0950123, MeSH D030342.
Ataxia-pancytopenia syndrome (ATXPC). Also called: SAMD9L Ataxia-Pancytopenia Syndrome; SAMD9L-Related Syndrome. Identifiers: Orphanet 2585, MedGen C1327919, MONDO:0008038, OMIM 159550.

Submissions (2):

Ambry Genetics
Classification: Likely benign for Inborn genetic diseases. Last evaluated: 2024-10-15. Review status: criteria provided, single submitter. Criteria: Ambry Variant Classification Scheme 2023. Collection method: clinical testing. Allele origin: germline.

Neuberg Centre For Genomic Medicine, NCGM
Classification: Uncertain significance for Ataxia-pancytopenia syndrome. Review status: criteria provided, single submitter. Criteria: ACMG Guidelines, 2015. Collection method: clinical testing. Allele origin: germline. Inheritance: Autosomal dominant inheritance. Affected: yes.
Comment: The missense variant c.4148C>T (p.Ser1383Phe) in the SAMD9L gene has not been reported previously as a pathogenic variant nor as a benign variant, to our knowledge. This variant is absent in the gnomAD Exomes. The amino acid Serine at position 1383 is changed to a Phenylalanine changing protein sequence and it might alter its composition and physico-chemical properties. Computational evidence (Polyphen, SIFT and MutationTaster) predicts conflicting evidence on protein structure and function for this variant. The amino acid change p.Ser1383Phe in SAMD9L is predicted as conserved by GERP++ and PhyloP across 100 vertebrates. For these reasons, this variant has been classified as Uncertain Significance.